The following is an entry in ClinVar:

NM_018129.4(PNPO):c.422_433del (p.Arg141_Gly144del)

Gene: PNPO (pyridoxamine 5'-phosphate oxidase; plus strand). Cytogenetic location: 17q21.32.
Variant type: Deletion.
Coding change: c.422_433del on transcript NM_018129.4 (MANE Select); coding-DNA positions 422 to 433, 12 bases deleted (GTGTGGAAGGCC).
Protein change: p.Arg141_Gly144del.
Molecular consequence: inframe deletion.
Genome position (GRCh38, 1-based): chr17:47,945,865-47,945,876, GTGTGGAAGGCC deleted; deleting any 12 consecutive bases within chr17:47,945,864-47,945,876 gives the same sequence; the c. name uses the placement nearest the transcript's 3' end. VCF-style (leftmost placement, unchanged base first): chr17-47945863-GCGTGTGGAAGGC-G. GRCh37 (hg19) VCF-style: chr17-46023229-GCGTGTGGAAGGC-G.
Identifiers: ClinVar variation 2128382 (VCV002128382.4), dbSNP rs2509293410, ClinGen allele CA2580094077.

ClinVar aggregate classification (germline): Pathogenic (1 of 4 stars; one submission).

Conditions:
Pyridoxal phosphate-responsive seizures (PNPOD). Also called: EPILEPTIC ENCEPHALOPATHY, NEONATAL, PNPO-RELATED; SEIZURES, PYRIDOXINE-RESISTANT, PLP-SENSITIVE; Pyridoxamine 5-Prime-Phosphate Oxidase Deficiency; Pyridoxine-5'-phosphate oxidase deficiency; Pyridoxal 5'-Phosphate (PLP)-Dependent Epilepsy. Identifiers: Orphanet 79096, MedGen C1864723, MONDO:0012407, OMIM 610090. Disease mechanism: loss of function.

Submission:

Labcorp Genetics (formerly Invitae), Labcorp
Classification: Pathogenic for Pyridoxal phosphate-responsive seizures. Last evaluated: 2025-01-15. Review status: criteria provided, single submitter. Criteria: Invitae Variant Classification Sherloc (09022015). Collection method: clinical testing. Allele origin: germline.
Comment: This variant, c.422_433del, results in the deletion of 4 amino acid(s) of the PNPO protein (p.Arg141_Gly144del), but otherwise preserves the integrity of the reading frame. This variant is not present in population databases (gnomAD no frequency). This variant has not been reported in the literature in individuals affected with PNPO-related conditions. ClinVar contains an entry for this variant (Variation ID: 2128382). Experimental studies and prediction algorithms are not available or were not evaluated, and the functional significance of this variant is currently unknown. This variant disrupts a region of the PNPO protein in which other variant(s) (p.Arg141Cys) have been determined to be pathogenic (PMID: 24658933). This suggests that this is a clinically significant region of the protein, and that variants that disrupt it are likely to be disease-causing. For these reasons, this variant has been classified as Pathogenic.

Literature cited by the submitters: PubMed 24658933.